The following is an entry in ClinVar:

NM_032638.5(GATA2):c.769G>A (p.Ala257Thr)

Gene: GATA2 (GATA binding protein 2; minus strand). Cytogenetic location: 3q21.3.
Variant type: single nucleotide variant.
Coding change: c.769G>A on transcript NM_032638.5 (MANE Select); coding-DNA position 769, G replaced by A.
Protein change: p.Ala257Thr; replaces alanine 257 with threonine.
Molecular consequence: missense variant.
Genome position (GRCh38, 1-based): chr3:128,485,829, C>T on the plus strand (G>A on the coding strand, the complement: GATA2 is on the minus strand). VCF-style: chr3-128485829-C-T. GRCh37 (hg19) VCF-style: chr3-128204672-C-T.
Other names: c.769G>A, p.Ala257Thr (NM_001145661.2, NM_001145662.1); short protein forms A257T.
Identifiers: ClinVar variation 4262149 (VCV004262149.1).

ClinVar aggregate classification (germline): Uncertain significance (1 of 4 stars; one submission).

Conditions:
Inborn genetic diseases. Identifiers: MedGen C0950123, MeSH D030342.

Submission:

Ambry Genetics
Classification: Uncertain significance for Inborn genetic diseases. Last evaluated: 2025-08-31. Review status: criteria provided, single submitter. Criteria: Ambry Variant Classification Scheme 2023. Collection method: clinical testing. Allele origin: germline.
Comment: The p.A257T variant (also known as c.769G>A), located in coding exon 2 of the GATA2 gene, results from a G to A substitution at nucleotide position 769. The alanine at codon 257 is replaced by threonine, an amino acid with similar properties. This amino acid position is conserved. In addition, the in silico prediction for this alteration is inconclusive. Based on the available evidence, the clinical significance of this variant remains unclear.